The following is an entry in ClinVar:

ClinVar aggregate classification (germline): Uncertain significance (1 of 4 stars; one submission).

Conditions:
Inborn genetic diseases. Identifiers: MedGen C0950123, MeSH D030342.

gnomAD v4.1: 1 of 1,614,200 alleles (0.000062%); highest among the groups gnomAD compares: African/African-American, 0.0013%; no homozygotes.

Submission:

Ambry Genetics
Classification: Uncertain significance for Inborn genetic diseases. Last evaluated: 2025-10-03. Review status: criteria provided, single submitter. Criteria: Ambry Variant Classification Scheme 2023. Collection method: clinical testing. Allele origin: germline.
Comment: The p.Q748E variant (also known as c.2242C>G), located in coding exon 12 of the BMPR2 gene, results from a C to G substitution at nucleotide position 2242. The glutamine at codon 748 is replaced by glutamic acid, an amino acid with highly similar properties. This amino acid position is conserved. In addition, the in silico prediction for this alteration is inconclusive. Based on the available evidence, the clinical significance of this variant remains unclear.

NM_001204.7(BMPR2):c.2242C>G (p.Gln748Glu)

Gene: BMPR2 (bone morphogenetic protein receptor type 2; plus strand). Cytogenetic location: 2q33.2.
Variant type: single nucleotide variant.
Coding change: c.2242C>G on transcript NM_001204.7 (MANE Select); coding-DNA position 2242, C replaced by G.
Protein change: p.Gln748Glu; replaces glutamine 748 with glutamic acid.
Molecular consequence: missense variant.
Genome position (GRCh38, 1-based): chr2:202,555,907, C>G. VCF-style: chr2-202555907-C-G. GRCh37 (hg19) VCF-style: chr2-203420630-C-G.
Other names: short protein forms Q748E.
Identifiers: ClinVar variation 4597202 (VCV004597202.1).